The following is an entry in ClinVar:

NM_002444.3(MSN):c.68A>G (p.Asn23Ser)

Gene: MSN (moesin; plus strand). Cytogenetic location: Xq12.
Variant type: single nucleotide variant.
Coding change: c.68A>G on transcript NM_002444.3 (MANE Select); coding-DNA position 68, A replaced by G.
Protein change: p.Asn23Ser; replaces asparagine 23 with serine.
Molecular consequence: missense variant.
Genome position (GRCh38, 1-based): chrX:65,716,873, A>G. VCF-style: chrX-65716873-A-G. GRCh37 (hg19) VCF-style: chrX-64936735-A-G.
Other names: short protein forms N23S.
Identifiers: ClinVar variation 2120890 (VCV002120890.4), dbSNP rs1208693016, ClinGen allele CA413414507.

ClinVar aggregate classification (germline): Uncertain significance (1 of 4 stars; one submission).

Allele frequency attached by ClinVar (database versions not stated): gnomAD exomes below 0.00001; TOPMed 0.00001; gnomAD 0.00002.
gnomAD v4.1: 7 of 1,207,424 alleles (0.00058%); highest among the groups gnomAD compares: East Asian, 0.018%; no homozygotes.

Submission:

Labcorp Genetics (formerly Invitae), Labcorp
Classification: Uncertain significance. Last evaluated: 2022-04-02. Review status: criteria provided, single submitter. Criteria: Invitae Variant Classification Sherloc (09022015). Collection method: clinical testing. Allele origin: germline.
Comment: In summary, the available evidence is currently insufficient to determine the role of this variant in disease. Therefore, it has been classified as a Variant of Uncertain Significance. Algorithms developed to predict the effect of missense changes on protein structure and function (SIFT, PolyPhen-2, Align-GVGD) all suggest that this variant is likely to be tolerated. This variant has not been reported in the literature in individuals affected with MSN-related conditions. This variant is present in population databases (no rsID available, gnomAD 0.02%), including at least one homozygous and/or hemizygous individual. This sequence change replaces asparagine, which is neutral and polar, with serine, which is neutral and polar, at codon 23 of the MSN protein (p.Asn23Ser).